The following is an entry in ClinVar:

ClinVar aggregate classification (germline): Benign (1 of 4 stars; one submission).

Allele frequency attached by ClinVar (database versions not stated): TOPMed 0.17584; gnomAD 0.17730 and 0.18197; 1000 Genomes Project 30x 0.19503; 1000 Genomes Project 0.20188.
gnomAD v4.1: 163,804 of 788,930 alleles (21%); highest among the groups gnomAD compares: East Asian, 44%; 19,330 homozygotes.

Submission:

GeneDx
Classification: Benign. Last evaluated: 2018-06-16. Review status: criteria provided, single submitter. Criteria: GeneDx Variant Classification (06012015). Collection method: clinical testing. Allele origin: germline. Affected: yes.
Comment: This variant is considered likely benign or benign based on one or more of the following criteria: it is a conservative change, it occurs at a poorly conserved position in the protein, it is predicted to be benign by multiple in silico algorithms, and/or has population frequency not consistent with disease.

NM_006031.6(PCNT):c.5115+147C>T

Gene: PCNT (pericentrin; plus strand). Cytogenetic location: 21q22.3.
Variant type: single nucleotide variant.
Coding change: c.5115+147C>T on transcript NM_006031.6 (MANE Select); 147 bases into the intron after coding-DNA position 5115, C replaced by T.
Molecular consequence: intron variant.
Genome position (GRCh38, 1-based): chr21:46,402,630, C>T. VCF-style: chr21-46402630-C-T. GRCh37 (hg19) VCF-style: chr21-47822544-C-T.
Other names: c.4761+147C>T (NM_001315529.2).
Identifiers: ClinVar variation 670463 (VCV000670463.1), dbSNP rs8129460, ClinGen allele CA14865588.